The following is an entry in ClinVar:

ClinVar aggregate classification (germline): Pathogenic (1 of 4 stars; one submission).

Submission:

Quest Diagnostics Nichols Institute San Juan Capistrano
Classification: Pathogenic. Last evaluated: 2023-03-09. Review status: criteria provided, single submitter. Criteria: ACMG/ClinGen CNV Guidelines, 2019. Collection method: clinical testing. Allele origin: unknown.
Comment: This copy number loss involves several genes including PHF8 (OMIM 300560), which is associated with Siderius-type X-linked syndromic intellectual developmental disorder (OMIM 300263). Qiao et al. reported a similar deletion in two brothers with autism, intellectual disability (ID), and cleft lip/palate (2008). There are no similar copy number losses of this region reported in the general populations of the Database of Genomic Variants. Thus, this copy number variant (CNV) is classified as pathogenic. Reference: Qiao et al. Clin Genet. 2008 Aug;74(2):134-44. PMID: 18498374

GRCh37/hg19 Xp11.22(chrX:53954419-54291347)x0

Genes: FAM120C (family with sequence similarity 120 member C; minus strand), PHF8 (PHD finger protein 8; minus strand), WNK3 (WNK lysine deficient protein kinase 3; minus strand). Cytogenetic location: Xp11.22.
Variant type: copy number loss.
Change: copy number 0 of chrX:53,954,419-54,291,347 (336.9 kb, GRCh37 coordinates, 1-based), cytogenetic band Xp11.22.
Identifiers: ClinVar variation 2685088 (VCV002685088.1).